The following is an entry in ClinVar:

ClinVar aggregate classification (germline): Uncertain significance (1 of 4 stars; one submission).

Conditions:
Cardiovascular phenotype. Identifiers: MedGen CN230736.

Submission:

Ambry Genetics
Classification: Uncertain significance for Cardiovascular phenotype. Last evaluated: 2025-10-25. Review status: criteria provided, single submitter. Criteria: Ambry Variant Classification Scheme 2023. Collection method: clinical testing. Allele origin: germline.
Comment: The p.T1101R variant (also known as c.3302C>G), located in coding exon 30 of the MYBPC3 gene, results from a C to G substitution at nucleotide position 3302. The threonine at codon 1101 is replaced by arginine, an amino acid with similar properties. This amino acid position is conserved. In addition, the in silico prediction for this alteration is inconclusive. Based on the available evidence, the clinical significance of this variant remains unclear.

NM_000256.3(MYBPC3):c.3302C>G (p.Thr1101Arg)

Gene: MYBPC3 (myosin binding protein C3; minus strand). Cytogenetic location: 11p11.2.
Variant type: single nucleotide variant.
Coding change: c.3302C>G on transcript NM_000256.3 (MANE Select); coding-DNA position 3302, C replaced by G.
Protein change: p.Thr1101Arg; replaces threonine 1101 with arginine.
Molecular consequence: missense variant.
Genome position (GRCh38, 1-based): chr11:47,333,222, G>C on the plus strand (C>G on the coding strand, the complement: MYBPC3 is on the minus strand). VCF-style: chr11-47333222-G-C. GRCh37 (hg19) VCF-style: chr11-47354773-G-C.
Other names: short protein forms T1101R.
Identifiers: ClinVar variation 4614583 (VCV004614583.1).